The following is an entry in ClinVar:

NM_015346.4(ZFYVE26):c.3827C>T (p.Pro1276Leu)

Gene: ZFYVE26 (zinc finger FYVE-type containing 26; minus strand). Cytogenetic location: 14q24.1.
Variant type: single nucleotide variant.
Coding change: c.3827C>T on transcript NM_015346.4 (MANE Select); coding-DNA position 3827, C replaced by T.
Protein change: p.Pro1276Leu; replaces proline 1276 with leucine.
Molecular consequence: missense variant.
Genome position (GRCh38, 1-based): chr14:67,783,325, G>A on the plus strand (C>T on the coding strand, the complement: ZFYVE26 is on the minus strand). VCF-style: chr14-67783325-G-A. GRCh37 (hg19) VCF-style: chr14-68250042-G-A.
Other names: c.3827C>T (NM_015346.3); short protein forms P1276L.
Identifiers: ClinVar variation 2415790 (VCV002415790.6), dbSNP rs766942556, ClinGen allele CA7239899.

ClinVar aggregate classification (germline): Uncertain significance. Review status: criteria provided, multiple submitters, no conflicts (2 of 4 stars). 2 submissions from 2 submitters: Uncertain significance (2). Last evaluated 2024-08-07.

Conditions:
Spastic paraplegia. Identifiers: MedGen C0037772, HP:0001258.

Allele frequency attached by ClinVar (database versions not stated): TOPMed below 0.00001; ExAC 0.00001; gnomAD 0.00001.
gnomAD v4.1: 14 of 1,612,850 alleles (0.00087%); highest among the groups gnomAD compares: African/African-American, 0.008%; no homozygotes.

Submissions (2):

GeneDx
Classification: Uncertain significance. Last evaluated: 2024-08-07. Review status: criteria provided, single submitter. Criteria: GeneDx Variant Classification Process June 2021. Collection method: clinical testing. Allele origin: germline. Affected: yes.
Comment: Not observed at significant frequency in large population cohorts (gnomAD); In silico analysis indicates that this missense variant does not alter protein structure/function; Has not been previously published as pathogenic or benign to our knowledge

Labcorp Genetics (formerly Invitae), Labcorp
Classification: Uncertain significance for Spastic paraplegia. Last evaluated: 2024-02-23. Review status: criteria provided, single submitter. Criteria: Invitae Variant Classification Sherloc (09022015). Collection method: clinical testing. Allele origin: germline.
Comment: This sequence change replaces proline, which is neutral and non-polar, with leucine, which is neutral and non-polar, at codon 1276 of the ZFYVE26 protein (p.Pro1276Leu). This variant is present in population databases (rs766942556, gnomAD 0.007%). This variant has not been reported in the literature in individuals affected with ZFYVE26-related conditions. ClinVar contains an entry for this variant (Variation ID: 2415790). Algorithms developed to predict the effect of missense changes on protein structure and function output the following: SIFT: "Not Available"; PolyPhen-2: "Benign"; Align-GVGD: "Not Available". The leucine amino acid residue is found in multiple mammalian species, which suggests that this missense change does not adversely affect protein function. In summary, the available evidence is currently insufficient to determine the role of this variant in disease. Therefore, it has been classified as a Variant of Uncertain Significance.